The following is an entry in ClinVar:

NM_000916.4(OXTR):c.760C>T (p.Arg254Cys)

Gene: OXTR (oxytocin receptor; minus strand). Cytogenetic location: 3p25.3.
Variant type: single nucleotide variant.
Coding change: c.760C>T on transcript NM_000916.4 (MANE Select); coding-DNA position 760, C replaced by T.
Protein change: p.Arg254Cys; replaces arginine 254 with cysteine.
Molecular consequence: missense variant.
Genome position (GRCh38, 1-based): chr3:8,767,428, G>A on the plus strand (C>T on the coding strand, the complement: OXTR is on the minus strand). VCF-style: chr3-8767428-G-A. GRCh37 (hg19) VCF-style: chr3-8809114-G-A.
Other names: c.760C>T, p.Arg254Cys (NM_001354653.2, NM_001354654.2, NM_001354655.2 and 1 more transcripts); short protein forms R254C.
Identifiers: ClinVar variation 4823885 (VCV004823885.4).
Genomic context (GRCh38, chr3:8,767,428, plus strand): 5'-CCGTGCGGATCTTGGCCTTGGAGATGAGCTTGACGCTGCTGACACGCGCCAGGGCCACGC[G>A]CCCCCCATCGCCAGCCGCCGCGCCCTCTGGCGCCTCGGCCGCCGCCGCTGCAGCGGTCTT-3'
Protein context (NP_000907.2, residues 244-264): PEGAAAGDGG[Arg254Cys]VALARVSSVK

ClinVar aggregate classification (germline): Likely benign (1 of 4 stars; one submission).

gnomAD v4.1: 14 of 1,605,026 alleles (0.00087%); highest among the groups gnomAD compares: South Asian, 0.013%; no homozygotes.

Submission:

CeGaT Center for Human Genetics Tuebingen
Classification: Likely benign. Last evaluated: 2026-02-01. Review status: criteria provided, single submitter. Criteria: CeGaT Center For Human Genetics Tuebingen Variant Classification Criteria Version 2. Collection method: clinical testing. Allele origin: germline. Affected: yes. Observed: 1 variant allele.
Comment: OXTR: BP4